The following is an entry in ClinVar:

ClinVar aggregate classification (germline): Pathogenic (1 of 4 stars; one submission).

Submission:

GeneDx
Classification: Pathogenic. Last evaluated: 2024-07-29. Review status: criteria provided, single submitter. Criteria: GeneDx Variant Classification Process June 2021. Collection method: clinical testing. Allele origin: germline. Affected: yes.
Comment: Canonical splice site variant predicted to result in a null allele in a gene for which loss of function is a known mechanism of disease; Not observed at significant frequency in large population cohorts (gnomAD); Has not been previously published as pathogenic or benign to our knowledge

NM_001357.5(DHX9):c.1557+1G>A

Gene: DHX9 (DExH-box helicase 9; plus strand). Cytogenetic location: 1q25.3.
Variant type: single nucleotide variant.
Coding change: c.1557+1G>A on transcript NM_001357.5 (MANE Select); the canonical splice donor site of the intron after coding-DNA position 1557, G replaced by A.
Molecular consequence: splice donor variant.
Genome position (GRCh38, 1-based): chr1:182,867,044, G>A. VCF-style: chr1-182867044-G-A. GRCh37 (hg19) VCF-style: chr1-182836179-G-A.
Identifiers: ClinVar variation 2579538 (VCV002579538.2), dbSNP rs2526402037, ClinGen allele CA343658407.